The following is an entry in ClinVar:

ClinVar aggregate classification (germline): Likely benign. Review status: criteria provided, multiple submitters, no conflicts (2 of 4 stars). 4 submissions from 4 submitters: Likely benign (4). Last evaluated 2026-06-01.

Conditions:
DYRK1A-related intellectual disability syndrome (MRD7). Also called: DYRK1A Syndrome; Intellectual developmental disorder, autosomal dominant 7. Identifiers: Orphanet 464306, MedGen C5568143, MONDO:0013578, OMIM 614104.
Inborn genetic diseases. Identifiers: MedGen C0950123, MeSH D030342.

Allele frequency attached by ClinVar (database versions not stated): ESP Exome Variant Server 0.00008; gnomAD exomes 0.00008 and 0.00015; ExAC 0.00009; gnomAD 0.00009 and 0.00010; TOPMed 0.00012.

Submissions (4):

CeGaT Center for Human Genetics Tuebingen
Classification: Likely benign. Last evaluated: 2026-06-01. Review status: criteria provided, single submitter. Criteria: CeGaT Center For Human Genetics Tuebingen Variant Classification Criteria Version 2. Collection method: clinical testing. Allele origin: germline. Affected: yes. Observed: 4 variant alleles.
Comment: DYRK1A: BP4, BP7

Labcorp Genetics (formerly Invitae), Labcorp
Classification: Likely benign for DYRK1A-related intellectual disability syndrome. Last evaluated: 2026-01-12. Review status: criteria provided, single submitter. Criteria: Invitae Variant Classification Sherloc (09022015). Collection method: clinical testing. Allele origin: germline.

GeneDx
Classification: Likely benign. Last evaluated: 2020-12-14. Review status: criteria provided, single submitter. Criteria: GeneDx Variant Classification Process June 2021. Collection method: clinical testing. Allele origin: germline. Affected: yes.

Ambry Genetics
Classification: Likely benign for Inborn genetic diseases. Last evaluated: 2017-11-13. Review status: criteria provided, single submitter. Criteria: Ambry Variant Classification Scheme 2023. Collection method: clinical testing. Allele origin: germline.

NM_001347721.2(DYRK1A):c.1818T>C (p.His606=)

Gene: DYRK1A (dual specificity tyrosine phosphorylation regulated kinase 1A; plus strand). Cytogenetic location: 21q22.13.
Variant type: single nucleotide variant.
Coding change: c.1818T>C on transcript NM_001347721.2 (MANE Select); coding-DNA position 1818, T replaced by C.
Protein change: p.His606=; no amino-acid change (histidine 606 retained).
Molecular consequence: synonymous variant. On other transcripts: 3 prime UTR variant (2).
Genome position (GRCh38, 1-based): chr21:37,512,084, T>C. VCF-style: chr21-37512084-T-C. GRCh37 (hg19) VCF-style: chr21-38884387-T-C.
Other names: c.1818T>C, p.His606= (NM_001347722.2, NM_130436.2); c.1731T>C, p.His577= (NM_001347723.2); c.1845T>C, p.His615= (NM_001396.5); c.*221T>C (NM_101395.2); c.*130T>C (NM_130438.2).
Identifiers: ClinVar variation 390788 (VCV000390788.39), dbSNP rs372827991, ClinGen allele CA10024113.